The following is an entry in ClinVar:

ClinVar aggregate classification (germline): Uncertain significance (1 of 4 stars; one submission).

Conditions:
Deafness-lymphedema-leukemia syndrome. Also called: Emberger syndrome; Lymphedema, primary, with myelodysplasia. Identifiers: Orphanet 3226, MedGen C3279664, MONDO:0013540, OMIM 614038.
Monocytopenia with susceptibility to infections. Also called: IMMUNODEFICIENCY 21; GATA2 DEFICIENCY; MONOCYTOPENIA AND MYCOBACTERIAL INFECTION SYNDROME; MONOCYTOPENIA WITH SUSCEPTIBILITY TO MYCOBACTERIAL, FUNGAL, AND PAPILLOMAVIRUS INFECTIONS AND MYELODYSPLASIA; COMBINED IMMUNODEFICIENCY WITH SUSCEPTIBILITY TO MYCOBACTERIAL, VIRAL, AND FUNGAL INFECTIONS; Dendritic cell, monocyte, B lymphocyte, and natural killer lymphocyte deficiency. Identifiers: Orphanet 228423, MedGen C3280030, MONDO:0013607, OMIM 614172.

Allele frequency attached by ClinVar (database versions not stated): TOPMed below 0.00001.

Submission:

Labcorp Genetics (formerly Invitae), Labcorp
Classification: Uncertain significance for Monocytopenia with susceptibility to infections; Deafness-lymphedema-leukemia syndrome. Last evaluated: 2024-05-10. Review status: criteria provided, single submitter. Criteria: Invitae Variant Classification Sherloc (09022015). Collection method: clinical testing. Allele origin: germline.
Comment: This sequence change replaces alanine, which is neutral and non-polar, with glycine, which is neutral and non-polar, at codon 286 of the GATA2 protein (p.Ala286Gly). This variant is not present in population databases (gnomAD no frequency). This variant has not been reported in the literature in individuals affected with GATA2-related conditions. ClinVar contains an entry for this variant (Variation ID: 1036519). Advanced modeling of protein sequence and biophysical properties (such as structural, functional, and spatial information, amino acid conservation, physicochemical variation, residue mobility, and thermodynamic stability) has been performed at Invitae for this missense variant, however the output from this modeling did not meet the statistical confidence thresholds required to predict the impact of this variant on GATA2 protein function. In summary, the available evidence is currently insufficient to determine the role of this variant in disease. Therefore, it has been classified as a Variant of Uncertain Significance.

NM_032638.5(GATA2):c.857C>G (p.Ala286Gly)

Gene: GATA2 (GATA binding protein 2; minus strand). Cytogenetic location: 3q21.3.
Variant type: single nucleotide variant.
Coding change: c.857C>G on transcript NM_032638.5 (MANE Select); coding-DNA position 857, C replaced by G.
Protein change: p.Ala286Gly; replaces alanine 286 with glycine.
Molecular consequence: missense variant.
Genome position (GRCh38, 1-based): chr3:128,485,741, G>C on the plus strand (C>G on the coding strand, the complement: GATA2 is on the minus strand). VCF-style: chr3-128485741-G-C. GRCh37 (hg19) VCF-style: chr3-128204584-G-C.
Other names: c.857C>G, p.Ala286Gly (NM_001145661.2, NM_001145662.1); short protein forms A286G.
Identifiers: ClinVar variation 1036519 (VCV001036519.6), dbSNP rs797045592, ClinGen allele CA354405115.